The following is an entry in ClinVar:

ClinVar aggregate classification (germline): Likely benign (1 of 4 stars; one submission).

Allele frequency attached by ClinVar (database versions not stated): 1000 Genomes Project 30x 0.00078; gnomAD exomes 0.00130; gnomAD 0.00145; ExAC 0.00770.
gnomAD v4.1: 2,126 of 1,611,286 alleles (0.13%); highest among the groups gnomAD compares: Admixed American, 0.23%; 38 homozygotes.

Submission:

CeGaT Center for Human Genetics Tuebingen
Classification: Likely benign. Last evaluated: 2025-10-01. Review status: criteria provided, single submitter. Criteria: CeGaT Center For Human Genetics Tuebingen Variant Classification Criteria Version 2. Collection method: clinical testing. Allele origin: germline. Affected: yes. Observed: 8 variant alleles.
Comment: CYP2D6: BS2

NM_000106.6(CYP2D6):c.1064A>G (p.Tyr355Cys)

Gene: CYP2D6 (cytochrome P450 family 2 subfamily D member 6 (gene/pseudogene); minus strand). Cytogenetic location: 22q13.2.
Variant type: single nucleotide variant.
Coding change: c.1064A>G on transcript NM_000106.6 (MANE Select); coding-DNA position 1064, A replaced by G.
Protein change: p.Tyr355Cys; replaces tyrosine 355 with cysteine.
Molecular consequence: missense variant.
Genome position (GRCh38, 1-based): chr22:42,127,556, T>C on the plus strand (A>G on the coding strand, the complement: CYP2D6 is on the minus strand). VCF-style: chr22-42127556-T-C. GRCh37 (hg19) VCF-style: chr22-42523558-T-C.
Other names: c.911A>G, p.Tyr304Cys (NM_001025161.3); short protein forms Y304C, Y355C.
Identifiers: ClinVar variation 2653238 (VCV002653238.24), dbSNP rs202102799, ClinGen allele CA10264663.